The following is an entry in ClinVar:

ClinVar aggregate classification (germline): Likely benign. Review status: criteria provided, multiple submitters, no conflicts (2 of 4 stars). 4 submissions from 4 submitters: Likely benign (4). Last evaluated 2023-06-26.

Conditions:
Hereditary cancer-predisposing syndrome. Also called: Neoplastic Syndromes, Hereditary; Tumor predisposition; Hereditary Cancer Syndrome; Hereditary neoplastic syndrome. Identifiers: Orphanet 140162, MedGen C0027672, MeSH D009386, MONDO:0015356.
Hereditary breast ovarian cancer syndrome. Also called: Hereditary breast and ovarian cancer; Breast and ovarian cancer; Hereditary breast and ovarian cancer syndrome (HBOC); BRCA1- and BRCA2-Associated Hereditary Breast and Ovarian Cancer; Hereditary breast and ovarian cancer syndrome; Hereditary breast and/or ovarian cancer syndrome. Identifiers: Orphanet 145, MedGen C0677776, MeSH D061325, MONDO:0003582. Disease mechanism: loss of function.
Breast-ovarian cancer, familial, susceptibility to, 2 (BROVCA2). Also called: BRCA2 Hereditary Breast and Ovarian Cancer. Identifiers: Orphanet 145, MedGen C2675520, MONDO:0012933, OMIM 612555. Disease mechanism: loss of function.

Allele frequency attached by ClinVar (database versions not stated): gnomAD exomes below 0.00001.
gnomAD v4.1: 1 of 1,599,280 alleles (0.000063%); highest among the groups gnomAD compares: Non-Finnish European, 0.000085%; no homozygotes.

Submissions (4):

All of Us Research Program, National Institutes of Health
Classification: Likely benign for Breast-ovarian cancer, familial, susceptibility to, 2. Last evaluated: 2023-06-26. Review status: criteria provided, single submitter. Criteria: ACMG Guidelines, 2015. Collection method: clinical testing. Allele origin: germline. Inheritance: Autosomal dominant inheritance. Observed: 1 variant allele, 1 heterozygote.
Comment: This study involves interpretation of variants in research participants for the purpose of population health screening. Participant phenotype was not available at the time of variant classification. Additional details can be found in publication PMID: 35346344, PMCID: PMC8962531

Ambry Genetics
Classification: Likely benign for Hereditary cancer-predisposing syndrome. Last evaluated: 2022-03-16. Review status: criteria provided, single submitter. Criteria: Ambry Variant Classification Scheme 2023. Collection method: clinical testing. Allele origin: germline.

Labcorp Genetics (formerly Invitae), Labcorp
Classification: Likely benign for Hereditary breast ovarian cancer syndrome. Last evaluated: 2021-06-26. Review status: criteria provided, single submitter. Criteria: Invitae Variant Classification Sherloc (09022015). Collection method: clinical testing. Allele origin: germline.

GeneDx
Classification: Likely benign. Last evaluated: 2017-02-03. Review status: criteria provided, single submitter. Criteria: GeneDx Variant Classification (06012015). Collection method: clinical testing. Allele origin: germline. Affected: yes.
Comment: This variant is considered likely benign or benign based on one or more of the following criteria: it is a conservative change, it occurs at a poorly conserved position in the protein, it is predicted to be benign by multiple in silico algorithms, and/or has population frequency not consistent with disease.

NM_000059.4(BRCA2):c.4974G>A (p.Gln1658=)

Gene: BRCA2 (BRCA2 DNA repair associated; plus strand). Cytogenetic location: 13q13.1.
Variant type: single nucleotide variant.
Coding change: c.4974G>A on transcript NM_000059.4 (MANE Select); coding-DNA position 4974, G replaced by A.
Protein change: p.Gln1658=; no amino-acid change (glutamine 1658 retained).
Molecular consequence: synonymous variant.
Genome position (GRCh38, 1-based): chr13:32,339,329, G>A. VCF-style: chr13-32339329-G-A. GRCh37 (hg19) VCF-style: chr13-32913466-G-A.
Identifiers: ClinVar variation 517724 (VCV000517724.12), dbSNP rs1555284012, ClinGen allele CA483438299.